The following is an entry in ClinVar:

NM_001042492.3(NF1):c.5813G>A (p.Ser1938Asn)

Gene: NF1 (neurofibromin 1; plus strand). Cytogenetic location: 17q11.2.
Variant type: single nucleotide variant.
Coding change: c.5813G>A on transcript NM_001042492.3 (MANE Select); coding-DNA position 5813, G replaced by A.
Protein change: p.Ser1938Asn; replaces serine 1938 with asparagine.
Molecular consequence: missense variant.
Genome position (GRCh38, 1-based): chr17:31,334,838, G>A. VCF-style: chr17-31334838-G-A. GRCh37 (hg19) VCF-style: chr17-29661856-G-A.
Other names: c.5750G>A, p.Ser1917Asn (NM_000267.4); short protein forms S1938N, S1917N.
Identifiers: ClinVar variation 527444 (VCV000527444.12), dbSNP rs906075234, ClinGen allele CA289384412.

ClinVar aggregate classification (germline): Conflicting classifications of pathogenicity. Review status: criteria provided, conflicting classifications (1 of 4 stars). 3 submissions from 3 submitters: Uncertain significance (2); Likely benign (1). Last evaluated 2026-02-01.

Conditions:
Cardiovascular phenotype. Identifiers: MedGen CN230736.
Hereditary cancer-predisposing syndrome. Also called: Neoplastic Syndromes, Hereditary; Tumor predisposition; Hereditary neoplastic syndrome; Hereditary Cancer Syndrome. Identifiers: Orphanet 140162, MedGen C0027672, MeSH D009386, MONDO:0015356.
Neurofibromatosis, type 1 (NF1). Also called: VON RECKLINGHAUSEN DISEASE; NEUROFIBROMATOSIS, TYPE I, SOMATIC; Peripheral type neurofibromatosis; Neurofibromatosis, type I. Identifiers: Orphanet 636, MedGen C0027831, MONDO:0018975, OMIM 162200. Disease mechanism: loss of function.

Allele frequency attached by ClinVar (database versions not stated): gnomAD exomes below 0.00001 and 0.00003; gnomAD 0.00001; TOPMed 0.00001.
gnomAD v4.1: 38 of 1,612,000 alleles (0.0024%); highest among the groups gnomAD compares: Middle Eastern, 0.016%; no homozygotes.

Submissions (3):

Labcorp Genetics (formerly Invitae), Labcorp
Classification: Likely benign for Neurofibromatosis, type 1. Last evaluated: 2026-02-01. Review status: criteria provided, single submitter. Criteria: Invitae Variant Classification Sherloc (09022015). Collection method: clinical testing. Allele origin: germline.

Ambry Genetics
Classification: Uncertain significance for Cardiovascular phenotype; Hereditary cancer-predisposing syndrome. Last evaluated: 2025-03-02. Review status: criteria provided, single submitter. Criteria: Ambry Variant Classification Scheme 2023. Collection method: clinical testing. Allele origin: germline.
Comment: The p.S1917N variant (also known as c.5750G>A) is located in coding exon 39 of the NF1 gene. The serine at codon 1917 is replaced by asparagine, an amino acid with highly similar properties. This change occurs in the first base pair of coding exon 39. This amino acid position is highly conserved in available vertebrate species. In addition, this alteration is predicted to be tolerated by in silico analysis. Since supporting evidence is limited at this time, the clinical significance of this alteration remains unclear.

Genome-Nilou Lab
Classification: Uncertain significance for Neurofibromatosis, type 1. Last evaluated: 2022-03-15. Review status: criteria provided, single submitter. Criteria: ACMG Guidelines, 2015. Collection method: clinical testing. Allele origin: germline. Affected: no.